The following is an entry in ClinVar:

ClinVar aggregate classification (germline): Uncertain significance. Review status: criteria provided, multiple submitters, no conflicts (2 of 4 stars). 3 submissions from 3 submitters: Uncertain significance (3). Last evaluated 2025-01-21.

Conditions:
Intellectual disability, autosomal recessive 53 (NEDHSCA). Also called: GLYCOSYLPHOSPHATIDYLINOSITOL BIOSYNTHESIS DEFECT 13; Mental retardation, autosomal recessive 53; NEURODEVELOPMENTAL DISORDER WITH OR WITHOUT HYPOTONIA, SEIZURES, AND CEREBELLAR ATROPHY. Identifiers: Orphanet 488635, MedGen C4310794, MONDO:0014832, OMIM 616917.

Submissions (3):

Revvity Omics, Revvity
Classification: Uncertain significance. Last evaluated: 2025-01-21. Review status: criteria provided, single submitter. Criteria: ACMG Guidelines, 2015. Collection method: clinical testing. Allele origin: germline.

Labcorp Genetics (formerly Invitae), Labcorp
Classification: Uncertain significance for Intellectual disability, autosomal recessive 53. Last evaluated: 2018-10-31. Review status: criteria provided, single submitter. Criteria: Invitae Variant Classification Sherloc (09022015). Collection method: clinical testing. Allele origin: germline.
Comment: In summary, the available evidence is currently insufficient to determine the role of this variant in disease. Therefore, it has been classified as a Variant of Uncertain Significance. Algorithms developed to predict the effect of sequence changes on RNA splicing suggest that this variant may create or strengthen a splice site, but this prediction has not been confirmed by published transcriptional studies. Algorithms developed to predict the effect of missense changes on protein structure and function (SIFT, PolyPhen-2, Align-GVGD) all suggest that this variant is likely to be tolerated, but these predictions have not been confirmed by published functional studies and their clinical significance is uncertain. This variant has not been reported in the literature in individuals with PIGG-related disease. This variant is not present in population databases (ExAC no frequency). This sequence change replaces leucine with valine at codon 404 of the PIGG protein (p.Leu404Val). The leucine residue is moderately conserved and there is a small physicochemical difference between leucine and valine.

Baylor Genetics
Classification: Uncertain significance for Intellectual disability, autosomal recessive 53. Last evaluated: 2018-07-06. Review status: criteria provided, single submitter. Criteria: ACMG Guidelines, 2015. Collection method: clinical testing. Allele origin: maternal. Affected: yes.
Comment: This variant was determined to be of uncertain significance according to ACMG Guidelines, 2015 [PMID:25741868].

NM_001127178.3(PIGG):c.1210C>G (p.Leu404Val)

Gene: PIGG (phosphatidylinositol glycan anchor biosynthesis class G (EMM blood group); plus strand). Cytogenetic location: 4p16.3.
Variant type: single nucleotide variant.
Coding change: c.1210C>G on transcript NM_001127178.3 (MANE Select); coding-DNA position 1210, C replaced by G.
Protein change: p.Leu404Val; replaces leucine 404 with valine.
Molecular consequence: missense variant. On other transcripts: 5 prime UTR variant (2), non-coding transcript variant (10), intron variant (1).
Genome position (GRCh38, 1-based): chr4:521,151, C>G. VCF-style: chr4-521151-C-G. GRCh37 (hg19) VCF-style: chr4-514940-C-G.
Other names: c.943C>G, p.Leu315Val (NM_001289051.2, NM_001289053.2, NM_001345986.2 and 1 more transcripts); c.811C>G, p.Leu271Val (NM_001289052.2); c.844C>G, p.Leu282Val (NM_001289055.2); c.181C>G, p.Leu61Val (NM_001345988.2); c.1210C>G, p.Leu404Val (NM_001345989.2, NM_017733.5); c.-278C>G (NM_001345990.2, NM_001345991.2); c.136C>G, p.Leu46Val (NM_001345994.2); c.848-509C>G (NM_001289057.2); short protein forms L404V, L271V, L282V, L315V, L46V, L61V.
Identifiers: ClinVar variation 542892 (VCV000542892.12), dbSNP rs1347377154, ClinGen allele CA355903819.